The following is an entry in ClinVar:

NM_033380.3(COL4A5):c.1293del (p.Leu433fs)

Gene: COL4A5 (collagen type IV alpha 5 chain; plus strand). Cytogenetic location: Xq22.3.
Variant type: Deletion.
Coding change: c.1293del on transcript NM_033380.3 (MANE Select); coding-DNA position 1293, one base deleted (T; older notation c.1293delT).
Protein change: p.Leu433fs; shifts the reading frame from leucine 433.
Molecular consequence: frameshift variant.
Genome position (GRCh38, 1-based): chrX:108,591,185, T deleted. VCF-style (leftmost placement, unchanged base first): chrX-108591184-CT-C. GRCh37 (hg19) VCF-style: chrX-107834414-CT-C.
Other names: c.1293del, p.Leu433fs (NM_000495.5); short protein forms L433fs.
Identifiers: ClinVar variation 2769186 (VCV002769186.3), dbSNP rs2523603697, ClinGen allele CA2697544711.
Genomic context (GRCh38, chrX:108,591,184, plus strand): 5'-AAGGACCACCTGGAATTTCCATTCCTGGACCTCCTGGACTTGACGGACAGCCTGGGGCTC[CT>C]GGGCTTCCAGGGCCTCCTGGCCCTGCTGGCCCTCACATTCCTCCTAGTAAGCTATATTTT-3'

ClinVar aggregate classification (germline): Pathogenic (1 of 4 stars; one submission).

Submission:

Labcorp Genetics (formerly Invitae), Labcorp
Classification: Pathogenic. Last evaluated: 2023-06-04. Review status: criteria provided, single submitter. Criteria: Invitae Variant Classification Sherloc (09022015). Collection method: clinical testing. Allele origin: germline.
Comment: For these reasons, this variant has been classified as Pathogenic. This variant has not been reported in the literature in individuals affected with COL4A5-related conditions. This variant is not present in population databases (gnomAD no frequency). This sequence change creates a premature translational stop signal (p.Leu433Phefs*41) in the COL4A5 gene. It is expected to result in an absent or disrupted protein product. Loss-of-function variants in COL4A5 are known to be pathogenic (PMID: 9195222, 10752524, 14514738, 24854265, 26809805).

Literature cited by the submitters: PubMed 9195222; PubMed 10752524; PubMed 14514738; PubMed 24854265; PubMed 26809805.